The following is an entry in ClinVar:

NM_000334.4(SCN4A):c.3863A>T (p.Asn1288Ile)

Genes: SCN4A (sodium voltage-gated channel alpha subunit 4; minus strand), GH-LCR (growth hormone locus control region; plus strand). Cytogenetic location: 17q23.3.
Variant type: single nucleotide variant.
Coding change: c.3863A>T on transcript NM_000334.4 (MANE Select); coding-DNA position 3863, A replaced by T.
Protein change: p.Asn1288Ile; replaces asparagine 1288 with isoleucine.
Molecular consequence: missense variant.
Genome position (GRCh38, 1-based): chr17:63,944,722, T>A on the plus strand (A>T on the coding strand, the complement: SCN4A is on the minus strand). VCF-style: chr17-63944722-T-A. GRCh37 (hg19) VCF-style: chr17-62022082-T-A.
Other names: short protein forms N1288I.
Identifiers: ClinVar variation 5008084 (VCV005008084.1).
Genomic context (GRCh38, chr17:63,944,722, plus strand): 5'-CTGATACTCATCTTCTTCTTCTGCTGGTTGAAGTTGTCAATGATGACGCCAATGAAGAGG[T>A]TGAGGGTGAAGAAGGAGCCAAAGATGATGAAGATGACAAAGTAGAGGTACATGTAGAGGT-3'
Protein context (NP_000325.4, residues 1278-1298): FIIFGSFFTL[Asn1288Ile]LFIGVIIDNF

ClinVar aggregate classification (germline): Uncertain significance (1 of 4 stars; one submission).

gnomAD v4.1: 1 of 1,612,858 alleles (0.000062%); no homozygotes.

Submission:

GeneDx
Classification: Uncertain significance. Last evaluated: 2026-03-07. Review status: criteria provided, single submitter. Criteria: GeneDx Variant Classification Process June 2021. Collection method: clinical testing. Allele origin: germline.
Comment: Not observed at significant frequency in large population cohorts (gnomAD); In silico analysis supports that this missense variant has a deleterious effect on protein structure/function; Has not been previously published as pathogenic or benign to our knowledge